The following is an entry in ClinVar:

ClinVar aggregate classification (germline): Uncertain significance (1 of 4 stars; one submission).

Conditions:
Charcot-Marie-Tooth disease type 4. Also called: Charcot-Marie-Tooth disease, type IV; Charcot-Marie-Tooth, Type 4. Identifiers: Orphanet 64749, MedGen C4082197, MONDO:0018995.

Submission:

Labcorp Genetics (formerly Invitae), Labcorp
Classification: Uncertain significance for Charcot-Marie-Tooth disease type 4. Last evaluated: 2021-12-09. Review status: criteria provided, single submitter. Criteria: Invitae Variant Classification Sherloc (09022015). Collection method: clinical testing. Allele origin: germline.
Comment: Algorithms developed to predict the effect of missense changes on protein structure and function are either unavailable or do not agree on the potential impact of this missense change (SIFT: "Deleterious"; PolyPhen-2: "Probably Damaging"; Align-GVGD: "Class C0"). In summary, the available evidence is currently insufficient to determine the role of this variant in disease. Therefore, it has been classified as a Variant of Uncertain Significance. This variant is not present in population databases (gnomAD no frequency). This variant has not been reported in the literature in individuals affected with FGD4-related conditions. This sequence change replaces lysine, which is basic and polar, with glutamic acid, which is acidic and polar, at codon 16 of the FGD4 protein (p.Lys16Glu).

NM_001370298.3(FGD4):c.457A>G (p.Lys153Glu)

Gene: FGD4 (FYVE, RhoGEF and PH domain containing 4; plus strand). Cytogenetic location: 12p11.21.
Variant type: single nucleotide variant.
Coding change: c.457A>G on transcript NM_001370298.3 (MANE Select); coding-DNA position 457, A replaced by G.
Protein change: p.Lys153Glu; replaces lysine 153 with glutamic acid.
Molecular consequence: missense variant. On other transcripts: 5 prime UTR variant (2), intron variant (4).
Genome position (GRCh38, 1-based): chr12:32,576,403, A>G. VCF-style: chr12-32576403-A-G. GRCh37 (hg19) VCF-style: chr12-32729337-A-G.
Other names: c.301A>G, p.Lys101Glu (NM_001304481.2); c.-799A>G (NM_001304483.2); c.-1106A>G (NM_001304484.2); c.457A>G, p.Lys153Glu (NM_001384126.1); c.46A>G, p.Lys16Glu (NM_001384127.1, NM_001384128.1, NM_001384131.1 and 3 more transcripts); c.-187-5557A>G (NM_001330374.2, NM_001330373.2, NM_001384130.1); c.48+12114A>G (NM_001370297.1); short protein forms K16E, K101E, K153E.
Identifiers: ClinVar variation 1355441 (VCV001355441.6), dbSNP rs2136376441, ClinGen allele CA384355383.